The following is an entry in ClinVar:

NM_006744.4(RBP4):c.472G>T (p.Asp158Tyr)

Gene: RBP4 (retinol binding protein 4; minus strand). Cytogenetic location: 10q23.33.
Variant type: single nucleotide variant.
Coding change: c.472G>T on transcript NM_006744.4 (MANE Select); coding-DNA position 472, G replaced by T.
Protein change: p.Asp158Tyr; replaces aspartic acid 158 with tyrosine.
Molecular consequence: missense variant.
Genome position (GRCh38, 1-based): chr10:93,593,919, C>A on the plus strand (G>T on the coding strand, the complement: RBP4 is on the minus strand). VCF-style: chr10-93593919-C-A. GRCh37 (hg19) VCF-style: chr10-95353676-C-A.
Other names: c.472G>T, p.Asp158Tyr (NM_001323517.1); c.466G>T, p.Asp156Tyr (NM_001323518.2); short protein forms D156Y, D158Y.
Identifiers: ClinVar variation 2608055 (VCV002608055.3), dbSNP rs765499399, ClinGen allele CA5609546.

ClinVar aggregate classification (germline): Uncertain significance. Review status: criteria provided, multiple submitters, no conflicts (2 of 4 stars). 2 submissions from 2 submitters: Uncertain significance (2). Last evaluated 2024-01-25.

Conditions:
Inborn genetic diseases. Identifiers: MedGen C0950123, MeSH D030342.

Allele frequency attached by ClinVar (database versions not stated): gnomAD exomes below 0.00001; gnomAD 0.00001; TOPMed 0.00001; ExAC 0.00002.
gnomAD v4.1: 4 of 1,613,894 alleles (0.00025%); highest among the groups gnomAD compares: East Asian, 0.0045%; no homozygotes.

Submissions (2):

Labcorp Genetics (formerly Invitae), Labcorp
Classification: Uncertain significance. Last evaluated: 2024-01-25. Review status: criteria provided, single submitter. Criteria: Invitae Variant Classification Sherloc (09022015). Collection method: clinical testing. Allele origin: germline.
Comment: This sequence change replaces aspartic acid, which is acidic and polar, with tyrosine, which is neutral and polar, at codon 158 of the RBP4 protein (p.Asp158Tyr). The frequency data for this variant in the population databases is considered unreliable, as metrics indicate poor data quality at this position in the gnomAD database. This variant has not been reported in the literature in individuals affected with RBP4-related conditions. ClinVar contains an entry for this variant (Variation ID: 2608055). An algorithm developed to predict the effect of missense changes on protein structure and function (PolyPhen-2) suggests that this variant¬†is likely to be tolerated. In summary, the available evidence is currently insufficient to determine the role of this variant in disease. Therefore, it has been classified as a Variant of Uncertain Significance.

Ambry Genetics
Classification: Uncertain significance for Inborn genetic diseases. Last evaluated: 2023-06-29. Review status: criteria provided, single submitter. Criteria: Ambry Variant Classification Scheme 2023. Collection method: clinical testing. Allele origin: germline.